The following is an entry in ClinVar:

NM_001353921.2(ARHGEF9):c.1405C>T (p.Arg469Cys)

Gene: ARHGEF9 (Cdc42 guanine nucleotide exchange factor 9; minus strand). Cytogenetic location: Xq11.1.
Variant type: single nucleotide variant.
Coding change: c.1405C>T on transcript NM_001353921.2 (MANE Select); coding-DNA position 1405, C replaced by T.
Protein change: p.Arg469Cys; replaces arginine 469 with cysteine.
Molecular consequence: missense variant. On other transcripts: 3 prime UTR variant (2).
Genome position (GRCh38, 1-based): chrX:63,638,195, G>A on the plus strand (C>T on the coding strand, the complement: ARHGEF9 is on the minus strand). VCF-style: chrX-63638195-G-A. GRCh37 (hg19) VCF-style: chrX-62858075-G-A.
Other names: c.1225C>T, p.Arg409Cys (NM_001173479.2); c.1078C>T, p.Arg360Cys (NM_001173480.2, NM_001369042.1); c.1321C>T, p.Arg441Cys (NM_001330495.2, NM_001369033.1, NM_001369034.1 and 4 more transcripts); c.1273C>T, p.Arg425Cys (NM_001353922.2); c.1423C>T, p.Arg475Cys (NM_001353923.1); c.1204C>T, p.Arg402Cys (NM_001353924.2, NM_001353926.2, NM_001369040.1 and 1 more transcripts); c.1189C>T, p.Arg397Cys (NM_001353927.2, NM_001369041.1); c.1252C>T, p.Arg418Cys (NM_001353928.2); and 3 more; short protein forms R280C, R360C, R397C, R402C, R409C, R418C, R425C, R441C.
Identifiers: ClinVar variation 975184 (VCV000975184.4), dbSNP rs1556301404, ClinGen allele CA413401456.

ClinVar aggregate classification (germline): Uncertain significance. Review status: criteria provided, single submitter (1 of 4 stars). 2 submissions from 2 submitters: Uncertain significance (1). 1 of the submissions does not count toward it. Last evaluated 2023-11-17.

Conditions:
Developmental and epileptic encephalopathy, 8 (DEE8). Also called: HYPEREKPLEXIA AND EPILEPSY. Identifiers: Orphanet 163985, Orphanet 2076, MedGen C1845102, MONDO:0010375, OMIM 300607.
Intellectual disability. Also called: intellectual disabilities; Intellectual developmental disorder; Intellectual functioning disability. Identifiers: MedGen C3714756, MeSH D008607, MONDO:0001071, HP:0001249.

Allele frequency attached by ClinVar (database versions not stated): gnomAD exomes below 0.00001.
gnomAD v4.1: 5 of 1,186,070 alleles (0.00042%); highest among the groups gnomAD compares: East Asian, 0.0061%; no homozygotes.

Submissions (2):

Labcorp Genetics (formerly Invitae), Labcorp
Classification: Uncertain significance for Developmental and epileptic encephalopathy, 8. Last evaluated: 2023-11-17. Review status: criteria provided, single submitter. Criteria: Invitae Variant Classification Sherloc (09022015). Collection method: clinical testing. Allele origin: germline.
Comment: This sequence change replaces arginine, which is basic and polar, with cysteine, which is neutral and slightly polar, at codon 462 of the ARHGEF9 protein (p.Arg462Cys). This variant is not present in population databases (gnomAD no frequency). This variant has not been reported in the literature in individuals affected with ARHGEF9-related conditions. ClinVar contains an entry for this variant (Variation ID: 975184). Advanced modeling of protein sequence and biophysical properties (such as structural, functional, and spatial information, amino acid conservation, physicochemical variation, residue mobility, and thermodynamic stability) has been performed at Invitae for this missense variant, however the output from this modeling did not meet the statistical confidence thresholds required to predict the impact of this variant on ARHGEF9 protein function. In summary, the available evidence is currently insufficient to determine the role of this variant in disease. Therefore, it has been classified as a Variant of Uncertain Significance.

Centre de Biologie Pathologie Génétique, Centre Hospitalier Universitaire de Lille
Classification: Likely benign for Intellectual disability. Last evaluated: 2019-01-01. Review status: no assertion criteria provided. Collection method: clinical testing. Allele origin: inherited. Affected: yes. Not counted in ClinVar's aggregate classification.